The following is an entry in ClinVar:

GRCh37/hg19 16p13.11-12.3(chr16:15316939-18770833)x3

Genes: ABCC1 (ATP binding cassette subfamily C member 1 (ABCC1 blood group); plus strand), ABCC6 (ATP binding cassette subfamily C member 6; minus strand), BMERB1 (bMERB domain containing 1; plus strand), CEP20 (centrosomal protein 20; minus strand), MARF1 (meiosis regulator and mRNA stability factor 1; minus strand) and 7 more. Cytogenetic location: 16p13.11-12.3.
Variant type: copy number gain.
Change: copy number 3 (three copies instead of two) of chr16:15,316,939-18,770,833 (3.45 Mb, GRCh37 coordinates, 1-based), cytogenetic band 16p13.11-12.3.
Identifiers: ClinVar variation 1807725 (VCV001807725.1).

ClinVar aggregate classification (germline): Likely pathogenic (1 of 4 stars; one submission).

Submission:

Quest Diagnostics Nichols Institute San Juan Capistrano
Classification: Likely pathogenic. Last evaluated: 2024-01-19. Review status: criteria provided, single submitter. Criteria: ACMG/ClinGen CNV Guidelines, 2019. Collection method: clinical testing. Allele origin: unknown.
Comment: This copy number gain represents the 16p13.11 BP2-BP3 duplication region (Rehm 2015). Individuals with duplications of this region present with a range of phenotypes (Hamad 2023, Rehm 2015, Stefansson 2014). Duplications of 16p13.11 were found to be enriched in patients versus controls in multiple case-control studies, with some exceptions (El Khattabi 2020, Kaminsky 2011). The 16p13.11 recurrent duplication has been described as a neurosusceptibility locus (Hamad 2023). Thus, this copy number variant (CNV) is classified as likely pathogenic with variable phenotypic expressivity and reduced penetrance. References: El Khattabi et al., J Med Genet. 2020 May;57(5):301-307. PMID: 30287593; Hamad et al., Eur J Med Genet. 2023 Apr;66(4):104714. PMID: 36724812; Kaminsky et al., Genet Med. 2011 Sep;13(9):777-84. PMID: 21844811; Rehm et al., N Engl J Med. 2015 Jun 4;372(23):2235-42. PMID: 26014595 (ISCA-37415); Stefansson et al., Nature. 2014 Jan 16;505(7483):361-6. PMID: 24352232